The following is an entry in ClinVar:

NM_014391.3(ANKRD1):c.569T>A (p.Ile190Asn)

Gene: ANKRD1 (ankyrin repeat domain 1; minus strand). Cytogenetic location: 10q23.31.
Variant type: single nucleotide variant.
Coding change: c.569T>A on transcript NM_014391.3 (MANE Select); coding-DNA position 569, T replaced by A.
Protein change: p.Ile190Asn; replaces isoleucine 190 with asparagine.
Molecular consequence: missense variant.
Genome position (GRCh38, 1-based): chr10:90,916,253, A>T on the plus strand (T>A on the coding strand, the complement: ANKRD1 is on the minus strand). VCF-style: chr10-90916253-A-T. GRCh37 (hg19) VCF-style: chr10-92676010-A-T.
Other names: short protein forms I190N.
Identifiers: ClinVar variation 4804938 (VCV004804938.1).

ClinVar aggregate classification (germline): Uncertain significance (1 of 4 stars; one submission).

Conditions:
ANKRD1-related dilated cardiomyopathy. Identifiers: MedGen CN119551.

gnomAD v4.1: 1 of 1,613,844 alleles (0.000062%); highest among the groups gnomAD compares: Non-Finnish European, 0.000085%; no homozygotes.

Submission:

Labcorp Genetics (formerly Invitae), Labcorp
Classification: Uncertain significance for ANKRD1-related dilated cardiomyopathy. Last evaluated: 2025-03-19. Review status: criteria provided, single submitter. Criteria: Invitae Variant Classification Sherloc (09022015). Collection method: clinical testing. Allele origin: germline.
Comment: This sequence change replaces isoleucine, which is neutral and non-polar, with asparagine, which is neutral and polar, at codon 190 of the ANKRD1 protein (p.Ile190Asn). This variant is present in population databases (no rsID available, gnomAD 0.0009%). This variant has not been reported in the literature in individuals affected with ANKRD1-related conditions. Invitae Evidence Modeling of protein sequence and biophysical properties (such as structural, functional, and spatial information, amino acid conservation, physicochemical variation, residue mobility, and thermodynamic stability) indicates that this missense variant is not expected to disrupt ANKRD1 protein function with a negative predictive value of 80%. In summary, the available evidence is currently insufficient to determine the role of this variant in disease. Therefore, it has been classified as a Variant of Uncertain Significance.